The following is an entry in ClinVar:

NM_002661.5(PLCG2):c.560T>G (p.Phe187Cys)

Gene: PLCG2 (phospholipase C gamma 2; plus strand). Cytogenetic location: 16q23.3.
Variant type: single nucleotide variant.
Coding change: c.560T>G on transcript NM_002661.5 (MANE Select); coding-DNA position 560, T replaced by G.
Protein change: p.Phe187Cys; replaces phenylalanine 187 with cysteine.
Molecular consequence: missense variant.
Genome position (GRCh38, 1-based): chr16:81,869,294, T>G. VCF-style: chr16-81869294-T-G. GRCh37 (hg19) VCF-style: chr16-81902899-T-G.
Other names: short protein forms F187C.
Identifiers: ClinVar variation 2111858 (VCV002111858.4), dbSNP rs2507552001, ClinGen allele CA396903195.

ClinVar aggregate classification (germline): Uncertain significance (1 of 4 stars; one submission).

Conditions:
Familial cold autoinflammatory syndrome 3 (FCAS3). Also called: FAMILIAL ATYPICAL COLD URTICARIA; ANTIBODY DEFICIENCY AND IMMUNE DYSREGULATION, PLCG2-ASSOCIATED. Identifiers: Orphanet 300359, MedGen C3280914, MONDO:0013766, OMIM 614468.

Submission:

Labcorp Genetics (formerly Invitae), Labcorp
Classification: Uncertain significance for Familial cold autoinflammatory syndrome 3. Last evaluated: 2022-03-14. Review status: criteria provided, single submitter. Criteria: Invitae Variant Classification Sherloc (09022015). Collection method: clinical testing. Allele origin: germline.
Comment: In summary, the available evidence is currently insufficient to determine the role of this variant in disease. Therefore, it has been classified as a Variant of Uncertain Significance. Algorithms developed to predict the effect of missense changes on protein structure and function (SIFT, PolyPhen-2, Align-GVGD) all suggest that this variant is likely to be disruptive. This variant has not been reported in the literature in individuals affected with PLCG2-related conditions. This variant is not present in population databases (gnomAD no frequency). This sequence change replaces phenylalanine, which is neutral and non-polar, with cysteine, which is neutral and slightly polar, at codon 187 of the PLCG2 protein (p.Phe187Cys).